The following is an entry in ClinVar:

ClinVar aggregate classification (germline): Uncertain significance (1 of 4 stars; one submission).

Conditions:
Early-infantile DEE. Also called: Early infantile epileptic encephalopathy with suppression bursts; Early infantile epileptic encephalopathy; Ohtahara syndrome. Identifiers: Orphanet 1934, MedGen C0393706, MONDO:0800491.

Allele frequency attached by ClinVar (database versions not stated): gnomAD exomes 0.00001 and 0.00004; TOPMed 0.00002; ExAC 0.00005.
gnomAD v4.1: 19 of 1,613,430 alleles (0.0012%); highest among the groups gnomAD compares: South Asian, 0.0088%; no homozygotes.

Submission:

Labcorp Genetics (formerly Invitae), Labcorp
Classification: Uncertain significance for Early-infantile DEE. Last evaluated: 2025-09-09. Review status: criteria provided, single submitter. Criteria: Invitae Variant Classification Sherloc (09022015). Collection method: clinical testing. Allele origin: germline.
Comment: This sequence change replaces arginine, which is basic and polar, with cysteine, which is neutral and slightly polar, at codon 597 of the ARHGEF15 protein (p.Arg597Cys). This variant is present in population databases (rs781295246, gnomAD 0.02%). This variant has not been reported in the literature in individuals affected with ARHGEF15-related conditions. ClinVar contains an entry for this variant (Variation ID: 461429). An algorithm developed to predict the effect of missense changes on protein structure and function (PolyPhen-2) suggests that this variant is likely to be disruptive. In summary, the available evidence is currently insufficient to determine the role of this variant in disease. Therefore, it has been classified as a Variant of Uncertain Significance.

NM_173728.4(ARHGEF15):c.1789C>T (p.Arg597Cys)

Gene: ARHGEF15 (Rho guanine nucleotide exchange factor 15; plus strand). Cytogenetic location: 17p13.1.
Variant type: single nucleotide variant.
Coding change: c.1789C>T on transcript NM_173728.4 (MANE Select); coding-DNA position 1789, C replaced by T.
Protein change: p.Arg597Cys; replaces arginine 597 with cysteine.
Molecular consequence: missense variant.
Genome position (GRCh38, 1-based): chr17:8,318,579, C>T. VCF-style: chr17-8318579-C-T. GRCh37 (hg19) VCF-style: chr17-8221897-C-T.
Other names: c.1789C>T, p.Arg597Cys (NM_025014.2); short protein forms R597C.
Identifiers: ClinVar variation 461429 (VCV000461429.9), dbSNP rs781295246, ClinGen allele CA8375311.